The following is an entry in ClinVar:

ClinVar aggregate classification (germline): Pathogenic/Likely pathogenic. Review status: criteria provided, multiple submitters, no conflicts (2 of 4 stars). 4 submissions from 4 submitters: Pathogenic (2); Likely pathogenic (2). Last evaluated 2025-09-08.

Conditions:
Neurodevelopmental disorder with hypotonia, brain anomalies, distinctive facies, and absent language. Also called: RNU4-2–Related Autosomal Dominant Neurodevelopmental Disorder; RNU4-2-Related Neurodevelopmental Disorder; ReNU SYNDROME. Identifiers: Orphanet 686488, MedGen C5935628, MONDO:0971172, OMIM 620851.

Submissions (4):

Victorian Clinical Genetics Services, Murdoch Childrens Research Institute
Classification: Pathogenic for Neurodevelopmental disorder with hypotonia, brain anomalies, distinctive facies, and absent language. Last evaluated: 2025-09-08. Review status: criteria provided, single submitter. Criteria: ACMG Guidelines, 2015. Collection method: clinical testing. Allele origin: germline. Affected: yes.
Comment: This variant is classified as Pathogenic. Evidence in support of pathogenic classification: Variant is absent from gnomAD (v2, v3 and v4); This variant has moderate previous evidence of pathogenicity in unrelated individuals. This variant has been reported as de novo in two individuals with an RNU4-2-related neurodevelopmental disorder (PMID: 38991538, VCGS internal data); Variant is located in the defined critical and highly constrained 18bp region in RNU4-2 (PMID: 38991538); Additional information: Non-coding variant without known or predicted effect; This variant is heterozygous; This gene is associated with autosomal dominant disease; No comparable non-coding variants have previous evidence for pathogenicity; The mechanism of disease for this gene is not clearly established.

Variantyx, Inc.
Classification: Likely pathogenic for Neurodevelopmental disorder with hypotonia, brain anomalies, distinctive facies, and absent language. Last evaluated: 2025-03-15. Review status: criteria provided, single submitter. Criteria: Variantyx Assertion Criteria 2022. Collection method: clinical testing. Allele origin: de novo. Affected: yes.
Comment: This is a single nucleotide change variant in the RNU4-2 gene (OMIM: 620823). Pathogenic variants in this gene have been associated with autosomal dominant ReNU syndrome. This variant lies within a known hotspot for pathogenic variants or a well-established critical functional domain of the RNU4-2 protein (PMID: 38821540, 38991538) (PM1). This variant is absent from control populations (PM2_Supporting). Based on the current evidence, this variant is classified as likely pathogenic for autosomal dominant ReNU syndrome.

Undiagnosed Diseases Network, NIH
Classification: Pathogenic for Neurodevelopmental disorder with hypotonia, brain anomalies, distinctive facies, and absent language. Last evaluated: 2024-11-12. Review status: criteria provided, single submitter. Criteria: ACMG Guidelines, 2015. Collection method: clinical testing. Allele origin: de novo. Inheritance: Autosomal dominant inheritance. Affected: yes. Observed: 1 variant allele, 1 heterozygote. Study: Undiagnosed Diseases Network (NIH), UDN.

Institute for Human Genetics, University Hospital Essen
Classification: Likely pathogenic for Neurodevelopmental disorder with hypotonia, brain anomalies, distinctive facies, and absent language. Last evaluated: 2005-03-05. Review status: criteria provided, single submitter. Criteria: ACMG Guidelines, 2015. Collection method: clinical testing. Allele origin: de novo. Inheritance: Autosomal dominant inheritance. Affected: yes.
Comment: PM2_supp, PS2, PM1

Literature cited by the submitters: PubMed 38991538 (cited by Victorian Clinical Genetics Services, Murdoch Childrens Research Institute).

NR_003137.3(RNU4-2):n.69C>T

Genes: RNU4-2 (RNA, U4 small nuclear 2; minus strand), SIRT4 (sirtuin 4; plus strand). Cytogenetic location: 12q24.23.
Variant type: single nucleotide variant.
Molecular consequence: non-coding transcript variant (on NR_003137.3).
Genome position: GRCh38 VCF-style: chr12-120291835-G-A. GRCh37 (hg19) VCF-style: chr12-120729638-G-A.
Identifiers: ClinVar variation 3384180 (VCV003384180.8).
Genomic context (GRCh38, chr12:120,291,835, plus strand): 5'-CTGTCAAAAATTGCCAATGCCGACTATATTTCAAGTCGTCATGGCGGGGTATTGGGAAAA[G>A]TTTTCAATTAGCAATAATCGCGCCTCGGATAAACCTCATTGGCTACGATACTGCCACTGC-3'